The following is an entry in ClinVar:

ClinVar aggregate classification (germline): Uncertain significance (1 of 4 stars; one submission).

Conditions:
Fanconi anemia complementation group O. Also called: RAD51C-Related Fanconi Anemia. Identifiers: Orphanet 84, MedGen C3150653, MONDO:0013248, OMIM 613390.

Submission:

Labcorp Genetics (formerly Invitae), Labcorp
Classification: Uncertain significance for Fanconi anemia complementation group O. Last evaluated: 2022-06-22. Review status: criteria provided, single submitter. Criteria: Invitae Variant Classification Sherloc (09022015). Collection method: clinical testing. Allele origin: germline.
Comment: This variant is not present in population databases (gnomAD no frequency). Advanced modeling of protein sequence and biophysical properties (such as structural, functional, and spatial information, amino acid conservation, physicochemical variation, residue mobility, and thermodynamic stability) performed at Invitae indicates that this missense variant is expected to disrupt RAD51C protein function. This variant has not been reported in the literature in individuals affected with RAD51C-related conditions. This sequence change replaces glycine, which is neutral and non-polar, with arginine, which is basic and polar, at codon 162 of the RAD51C protein (p.Gly162Arg). In summary, the available evidence is currently insufficient to determine the role of this variant in disease. Therefore, it has been classified as a Variant of Uncertain Significance.

NM_058216.3(RAD51C):c.484G>A (p.Gly162Arg)

Gene: RAD51C (RAD51 paralog C; plus strand). Cytogenetic location: 17q22.
Variant type: single nucleotide variant.
Coding change: c.484G>A on transcript NM_058216.3 (MANE Select); coding-DNA position 484, G replaced by A.
Protein change: p.Gly162Arg; replaces glycine 162 with arginine.
Molecular consequence: missense variant.
Genome position (GRCh38, 1-based): chr17:58,696,772, G>A. VCF-style: chr17-58696772-G-A. GRCh37 (hg19) VCF-style: chr17-56774133-G-A.
Other names: short protein forms G162R.
Identifiers: ClinVar variation 1899082 (VCV001899082.5), dbSNP rs2143746667, ClinGen allele CA400344759.